The following is an entry in ClinVar:

NM_006031.6(PCNT):c.1659T>A (p.Leu553=)

Gene: PCNT (pericentrin; plus strand). Cytogenetic location: 21q22.3.
Variant type: single nucleotide variant.
Coding change: c.1659T>A on transcript NM_006031.6 (MANE Select); coding-DNA position 1659, T replaced by A.
Protein change: p.Leu553=; no amino-acid change (leucine 553 retained).
Molecular consequence: synonymous variant.
Genome position (GRCh38, 1-based): chr21:46,353,306, T>A. VCF-style: chr21-46353306-T-A. GRCh37 (hg19) VCF-style: chr21-47773220-T-A.
Other names: c.1305T>A, p.Leu435= (NM_001315529.2).
Identifiers: ClinVar variation 3355973 (VCV003355973.1).

ClinVar aggregate classification (germline): Likely benign (0 of 4 stars; one submission).

Conditions:
PCNT-related disorder. Also called: PCNT-related condition.

Submission:

PreventionGenetics, part of Exact Sciences
Classification: Likely benign for PCNT-related condition. Last evaluated: 2023-05-23. Review status: no assertion criteria provided. Collection method: clinical testing. Allele origin: germline.
Comment: This variant is classified as likely benign based on ACMG/AMP sequence variant interpretation guidelines (Richards et al. 2015 PMID: 25741868, with internal and published modifications).